The following is an entry in ClinVar:

NC_000005.10:g.(?_1253728)_(1253841_?)dup

Gene: TERT (telomerase reverse transcriptase; minus strand). Cytogenetic location: 5p15.33.
Variant type: Duplication.
Identifiers: ClinVar variation 830806 (VCV000830806.5).

ClinVar aggregate classification (germline): Uncertain significance (1 of 4 stars; one submission).

Conditions:
Dyskeratosis congenita, autosomal dominant 2. Identifiers: MedGen C3151443, MONDO:0013521, OMIM 613989.
Idiopathic Pulmonary Fibrosis. Also called: Idiopathic fibrosing alveolitis, chronic form; idiopathic fibrosing alveolitis. Identifiers: Orphanet 2032, MedGen C1800706, MeSH D054990, MONDO:0800504.

Submission:

Labcorp Genetics (formerly Invitae), Labcorp
Classification: Uncertain significance for Dyskeratosis congenita, autosomal dominant 2; Idiopathic Pulmonary Fibrosis. Last evaluated: 2023-06-29. Review status: criteria provided, single submitter. Criteria: Invitae Variant Classification Sherloc (09022015). Collection method: clinical testing. Allele origin: germline.
Comment: In summary, the available evidence is currently insufficient to determine the role of this variant in disease. Therefore, it has been classified as a Variant of Uncertain Significance. This variant has not been reported in the literature in individuals affected with TERT-related conditions. This variant results in a copy number gain of the genomic region encompassing exon(s) 16 of the TERT gene. This region includes the termination codon of the gene. This copy number gain extends beyond the assayed region for this gene and therefore may encompass additional genes. As the precise location of this event is unknown, it may be in tandem or it may be located elsewhere in the genome.